The following is an entry in ClinVar:

NM_002471.4(MYH6):c.3063C>A (p.Ser1021Arg)

Gene: MYH6 (myosin heavy chain 6; minus strand). Cytogenetic location: 14q11.2.
Variant type: single nucleotide variant.
Coding change: c.3063C>A on transcript NM_002471.4 (MANE Select); coding-DNA position 3063, C replaced by A.
Protein change: p.Ser1021Arg; replaces serine 1021 with arginine.
Molecular consequence: missense variant.
Genome position (GRCh38, 1-based): chr14:23,393,384, G>T on the plus strand (C>A on the coding strand, the complement: MYH6 is on the minus strand). VCF-style: chr14-23393384-G-T. GRCh37 (hg19) VCF-style: chr14-23862593-G-T.
Other names: short protein forms S1021R.
Identifiers: ClinVar variation 3876431 (VCV003876431.1).

ClinVar aggregate classification (germline): Uncertain significance (1 of 4 stars; one submission).

Conditions:
Cardiovascular phenotype. Identifiers: MedGen CN230736.

gnomAD v4.1: 2 of 1,614,154 alleles (0.00012%); highest among the groups gnomAD compares: Middle Eastern, 0.016%; no homozygotes.

Submission:

Ambry Genetics
Classification: Uncertain significance for Cardiovascular phenotype. Last evaluated: 2024-12-13. Review status: criteria provided, single submitter. Criteria: Ambry Variant Classification Scheme 2023. Collection method: clinical testing. Allele origin: germline.
Comment: The p.S1021R variant (also known as c.3063C>A), located in coding exon 21 of the MYH6 gene, results from a C to A substitution at nucleotide position 3063. The serine at codon 1021 is replaced by arginine, an amino acid with dissimilar properties. This amino acid position is conserved. In addition, this alteration is predicted to be tolerated by in silico analysis. Based on the available evidence, the clinical significance of this variant remains unclear.